The following is an entry in ClinVar:

ClinVar aggregate classification (germline): Uncertain significance (1 of 4 stars; one submission).

Submission:

Ambry Genetics
Classification: Uncertain significance. Last evaluated: 2025-08-15. Review status: criteria provided, single submitter. Criteria: Ambry Variant Classification Scheme 2023. Collection method: clinical testing. Allele origin: germline.
Comment: The p.G267E variant (also known as c.800G>A), located in coding exon 1 of the CDK12 gene, results from a G to A substitution at nucleotide position 800. The glycine at codon 267 is replaced by glutamic acid, an amino acid with similar properties. This amino acid position is conserved. In addition, this alteration is predicted to be tolerated by in silico analysis. Based on the available evidence, the clinical significance of this variant remains unclear.

NM_016507.4(CDK12):c.800G>A (p.Gly267Glu)

Genes: CDK12 (cyclin dependent kinase 12; plus strand), LOC126862553 (CDK7 strongly-dependent group 2 enhancer GRCh37_chr17:37618166-37619365; plus strand). Cytogenetic location: 17q12.
Variant type: single nucleotide variant.
Coding change: c.800G>A on transcript NM_016507.4 (MANE Select); coding-DNA position 800, G replaced by A.
Protein change: p.Gly267Glu; replaces glycine 267 with glutamic acid.
Molecular consequence: missense variant.
Genome position (GRCh38, 1-based): chr17:39,462,871, G>A. VCF-style: chr17-39462871-G-A. GRCh37 (hg19) VCF-style: chr17-37619124-G-A.
Other names: c.800G>A, p.Gly267Glu (NM_015083.4); short protein forms G267E.
Identifiers: ClinVar variation 4224391 (VCV004224391.1).